The following is an entry in ClinVar:

ClinVar aggregate classification (germline): Uncertain significance (1 of 4 stars; one submission).

Allele frequency attached by ClinVar (database versions not stated): gnomAD 0.00003; gnomAD exomes 0.00004.
gnomAD v4.1: 68 of 1,613,662 alleles (0.0042%); highest among the groups gnomAD compares: Non-Finnish European, 0.0056%; no homozygotes.

Submission:

Labcorp Genetics (formerly Invitae), Labcorp
Classification: Uncertain significance. Last evaluated: 2022-07-15. Review status: criteria provided, single submitter. Criteria: Invitae Variant Classification Sherloc (09022015). Collection method: clinical testing. Allele origin: germline.
Comment: This sequence change affects codon 1173 of the POLR3A mRNA. It is a 'silent' change, meaning that it does not change the encoded amino acid sequence of the POLR3A protein. This variant is present in population databases (no rsID available, gnomAD 0.002%). This variant has not been reported in the literature in individuals affected with POLR3A-related conditions. Algorithms developed to predict the effect of sequence changes on RNA splicing suggest that this variant may create or strengthen a splice site. In summary, the available evidence is currently insufficient to determine the role of this variant in disease. Therefore, it has been classified as a Variant of Uncertain Significance.

NM_007055.4(POLR3A):c.3519G>A (p.Val1173=)

Gene: POLR3A (RNA polymerase III subunit A; minus strand). Cytogenetic location: 10q22.3.
Variant type: single nucleotide variant.
Coding change: c.3519G>A on transcript NM_007055.4 (MANE Select); coding-DNA position 3519, G replaced by A.
Protein change: p.Val1173=; no amino-acid change (valine 1173 retained).
Molecular consequence: synonymous variant.
Genome position (GRCh38, 1-based): chr10:77,982,728, C>T on the plus strand (G>A on the coding strand, the complement: POLR3A is on the minus strand). VCF-style: chr10-77982728-C-T. GRCh37 (hg19) VCF-style: chr10-79742486-C-T.
Identifiers: ClinVar variation 2038541 (VCV002038541.1), dbSNP rs1031777862, ClinGen allele CA210189107.